The following is an entry in ClinVar:

NM_001134831.2(AHI1):c.3196C>G (p.Arg1066Gly)

Gene: AHI1 (Abelson helper integration site 1; minus strand). Cytogenetic location: 6q23.3.
Variant type: single nucleotide variant.
Coding change: c.3196C>G on transcript NM_001134831.2 (MANE Select); coding-DNA position 3196, C replaced by G.
Protein change: p.Arg1066Gly; replaces arginine 1066 with glycine.
Molecular consequence: missense variant.
Genome position (GRCh38, 1-based): chr6:135,323,294, G>C on the plus strand (C>G on the coding strand, the complement: AHI1 is on the minus strand). VCF-style: chr6-135323294-G-C. GRCh37 (hg19) VCF-style: chr6-135644432-G-C.
Other names: c.3196C>G, p.Arg1066Gly (NM_001134830.2, NM_001350503.2, NM_001350504.2 and 1 more transcripts); short protein forms R1066G.
Identifiers: ClinVar variation 844432 (VCV000844432.10), dbSNP rs780163791, ClinGen allele CA4012075.

ClinVar aggregate classification (germline): Uncertain significance (1 of 4 stars; one submission).

Conditions:
Joubert syndrome. Also called: CEREBELLOPARENCHYMAL DISORDER IV; JOUBERT-BOLTSHAUSER SYNDROME; Familial aplasia of the vermis. Identifiers: Orphanet 475, MedGen C5979921, MONDO:0018772.

Submission:

Labcorp Genetics (formerly Invitae), Labcorp
Classification: Uncertain significance for Joubert syndrome. Last evaluated: 2022-11-15. Review status: criteria provided, single submitter. Criteria: Invitae Variant Classification Sherloc (09022015). Collection method: clinical testing. Allele origin: germline.
Comment: This variant is present in population databases (rs780163791, gnomAD 0.0009%). This variant has not been reported in the literature in individuals affected with AHI1-related conditions. ClinVar contains an entry for this variant (Variation ID: 844432). Advanced modeling of protein sequence and biophysical properties (such as structural, functional, and spatial information, amino acid conservation, physicochemical variation, residue mobility, and thermodynamic stability) has been performed at Invitae for this missense variant, however the output from this modeling did not meet the statistical confidence thresholds required to predict the impact of this variant on AHI1 protein function. In summary, the available evidence is currently insufficient to determine the role of this variant in disease. Therefore, it has been classified as a Variant of Uncertain Significance. This sequence change replaces arginine, which is basic and polar, with glycine, which is neutral and non-polar, at codon 1066 of the AHI1 protein (p.Arg1066Gly).